The following is an entry in ClinVar:

ClinVar aggregate classification (germline): Uncertain significance. Review status: criteria provided, multiple submitters, no conflicts (2 of 4 stars). 2 submissions from 2 submitters: Uncertain significance (2). Last evaluated 2024-09-22.

Allele frequency attached by ClinVar (database versions not stated): gnomAD exomes 0.00001.
gnomAD v4.1: 19 of 1,606,054 alleles (0.0012%); highest among the groups gnomAD compares: Non-Finnish European, 0.0016%; no homozygotes.

Submissions (2):

Labcorp Genetics (formerly Invitae), Labcorp
Classification: Uncertain significance. Last evaluated: 2024-09-22. Review status: criteria provided, single submitter. Criteria: Invitae Variant Classification Sherloc (09022015). Collection method: clinical testing. Allele origin: germline.
Comment: This sequence change replaces leucine, which is neutral and non-polar, with proline, which is neutral and non-polar, at codon 353 of the CNOT3 protein (p.Leu353Pro). This variant is not present in population databases (gnomAD no frequency). This variant has not been reported in the literature in individuals affected with CNOT3-related conditions. ClinVar contains an entry for this variant (Variation ID: 1195219). An algorithm developed to predict the effect of missense changes on protein structure and function (PolyPhen-2) suggests that this variant is likely to be tolerated. In summary, the available evidence is currently insufficient to determine the role of this variant in disease. Therefore, it has been classified as a Variant of Uncertain Significance.

GeneDx
Classification: Uncertain significance. Last evaluated: 2020-01-27. Review status: criteria provided, single submitter. Criteria: GeneDx Variant Classification Process June 2021. Collection method: clinical testing. Allele origin: germline. Affected: yes.
Comment: Not observed in large population cohorts (Lek et al., 2016); In silico analysis, which includes protein predictors and evolutionary conservation, supports that this variant does not alter protein structure/function; Has not been previously published as pathogenic or benign to our knowledge

NM_014516.4(CNOT3):c.1058T>C (p.Leu353Pro)

Gene: CNOT3 (CCR4-NOT transcription complex subunit 3; plus strand). Cytogenetic location: 19q13.42.
Variant type: single nucleotide variant.
Coding change: c.1058T>C on transcript NM_014516.4 (MANE Select); coding-DNA position 1058, T replaced by C.
Protein change: p.Leu353Pro; replaces leucine 353 with proline.
Molecular consequence: missense variant.
Genome position (GRCh38, 1-based): chr19:54,148,311, T>C. VCF-style: chr19-54148311-T-C. GRCh37 (hg19) VCF-style: chr19-54652046-T-C.
Other names: short protein forms L353P.
Identifiers: ClinVar variation 1195219 (VCV001195219.4), dbSNP rs2146642152, ClinGen allele CA407763674.